The following is an entry in ClinVar:

NM_001352514.2(HLCS):c.570G>A (p.Pro190=)

Gene: HLCS (holocarboxylase synthetase; minus strand). Cytogenetic location: 21q22.13.
Variant type: single nucleotide variant.
Coding change: c.570G>A on transcript NM_001352514.2 (MANE Select); coding-DNA position 570, G replaced by A.
Protein change: p.Pro190=; no amino-acid change (proline 190 retained).
Molecular consequence: synonymous variant. On other transcripts: non-coding transcript variant (2).
Genome position (GRCh38, 1-based): chr21:36,937,316, C>T on the plus strand (G>A on the coding strand, the complement: HLCS is on the minus strand). VCF-style: chr21-36937316-C-T. GRCh37 (hg19) VCF-style: chr21-38309616-C-T.
Other names: c.129G>A, p.Pro43= (NM_000411.8, NM_001242784.3, NM_001242785.2 and 4 more transcripts).
Identifiers: ClinVar variation 1101808 (VCV001101808.31), dbSNP rs780666266, ClinGen allele CA10020733.

ClinVar aggregate classification (germline): Likely benign. Review status: criteria provided, multiple submitters, no conflicts (2 of 4 stars). 2 submissions from 2 submitters: Likely benign (2). Last evaluated 2025-11-05.

Conditions:
Holocarboxylase synthetase deficiency. Also called: MULTIPLE CARBOXYLASE DEFICIENCY, EARLY ONSET. Identifiers: Orphanet 79242, MedGen C0268581, MONDO:0009666, OMIM 253270.

Allele frequency attached by ClinVar (database versions not stated): gnomAD 0.00001; ExAC 0.00002; gnomAD exomes 0.00002.
gnomAD v4.1: 41 of 1,613,986 alleles (0.0025%); highest among the groups gnomAD compares: Non-Finnish European, 0.0032%; no homozygotes.

Submissions (2):

Labcorp Genetics (formerly Invitae), Labcorp
Classification: Likely benign for Holocarboxylase synthetase deficiency. Last evaluated: 2025-11-05. Review status: criteria provided, single submitter. Criteria: Invitae Variant Classification Sherloc (09022015). Collection method: clinical testing. Allele origin: germline.

CeGaT Center for Human Genetics Tuebingen
Classification: Likely benign. Last evaluated: 2023-11-01. Review status: criteria provided, single submitter. Criteria: CeGaT Center For Human Genetics Tuebingen Variant Classification Criteria Version 2. Collection method: clinical testing. Allele origin: germline. Affected: yes. Observed: 1 variant allele.
Comment: HLCS: BP4, BP7